The following is an entry in ClinVar:

ClinVar aggregate classification (germline): Uncertain significance (1 of 4 stars; one submission).

Submission:

Ambry Genetics
Classification: Uncertain significance. Last evaluated: 2022-02-27. Review status: criteria provided, single submitter. Criteria: Ambry Variant Classification Scheme 2023. Collection method: clinical testing. Allele origin: germline.
Comment: The p.F376L variant (also known as c.1128C>G), located in coding exon 3 of the PALLD gene, results from a C to G substitution at nucleotide position 1128. The phenylalanine at codon 376 is replaced by leucine, an amino acid with highly similar properties. This amino acid position is conserved. In addition, the in silico prediction for this alteration is inconclusive. Since supporting evidence is limited at this time, the clinical significance of this alteration remains unclear.

NM_001166108.2(PALLD):c.1128C>G (p.Phe376Leu)

Gene: PALLD (palladin, cytoskeletal associated protein; plus strand). Cytogenetic location: 4q32.3.
Variant type: single nucleotide variant.
Coding change: c.1128C>G on transcript NM_001166108.2 (MANE Select); coding-DNA position 1128, C replaced by G.
Protein change: p.Phe376Leu; replaces phenylalanine 376 with leucine.
Molecular consequence: missense variant. On other transcripts: 5 prime UTR variant (1).
Genome position (GRCh38, 1-based): chr4:168,681,372, C>G. VCF-style: chr4-168681372-C-G. GRCh37 (hg19) VCF-style: chr4-169602523-C-G.
Other names: c.-19C>G (NM_001166109.2); c.1128C>G, p.Phe376Leu (NM_016081.4); short protein forms F376L.
Identifiers: ClinVar variation 1727374 (VCV001727374.2), dbSNP rs2531574036, ClinGen allele CA358794071.